The following is an entry in ClinVar:

NM_000059.4(BRCA2):c.4344T>C (p.Asn1448=)

Gene: BRCA2 (BRCA2 DNA repair associated; plus strand). Cytogenetic location: 13q13.1.
Variant type: single nucleotide variant.
Coding change: c.4344T>C on transcript NM_000059.4 (MANE Select); coding-DNA position 4344, T replaced by C.
Protein change: p.Asn1448=; no amino-acid change (asparagine 1448 retained).
Molecular consequence: synonymous variant. On other transcripts: non-coding transcript variant (1), intron variant (2).
Genome position (GRCh38, 1-based): chr13:32,338,699, T>C. VCF-style: chr13-32338699-T-C. GRCh37 (hg19) VCF-style: chr13-32912836-T-C.
Other names: c.4344T>C, p.Asn1448= (NM_001406719.1, NM_001406720.1); c.1909+5312T>C (NM_001406721.1); c.425-5859T>C (NM_001406722.1).
Identifiers: ClinVar variation 3075627 (VCV003075627.1), dbSNP rs1064793724, ClinGen allele CA483438246.

ClinVar aggregate classification (germline): Likely benign (1 of 4 stars; one submission).

Conditions:
Breast-ovarian cancer, familial, susceptibility to, 2 (BROVCA2). Also called: BRCA2 Hereditary Breast and Ovarian Cancer. Identifiers: Orphanet 145, MedGen C2675520, MONDO:0012933, OMIM 612555. Disease mechanism: loss of function.

Allele frequency attached by ClinVar (database versions not stated): gnomAD exomes below 0.00001.
gnomAD v4.1: 1 of 1,592,058 alleles (0.000063%); highest among the groups gnomAD compares: Non-Finnish European, 0.000086%; no homozygotes.

Submission:

All of Us Research Program, National Institutes of Health
Classification: Likely benign for Breast-ovarian cancer, familial, susceptibility to, 2. Last evaluated: 2023-10-27. Review status: criteria provided, single submitter. Criteria: ACMG Guidelines, 2015. Collection method: clinical testing. Allele origin: germline. Inheritance: Autosomal dominant inheritance. Observed: 1 variant allele, 1 heterozygote.
Comment: This study involves interpretation of variants in research participants for the purpose of population health screening. Participant phenotype was not available at the time of variant classification. Additional details can be found in publication PMID: 35346344, PMCID: PMC8962531